The following is an entry in ClinVar:

NM_001369.3(DNAH5):c.12646G>A (p.Asp4216Asn)

Gene: DNAH5 (dynein axonemal heavy chain 5; minus strand). Cytogenetic location: 5p15.2.
Variant type: single nucleotide variant.
Coding change: c.12646G>A on transcript NM_001369.3 (MANE Select); coding-DNA position 12646, G replaced by A.
Protein change: p.Asp4216Asn; replaces aspartic acid 4216 with asparagine.
Molecular consequence: missense variant.
Genome position (GRCh38, 1-based): chr5:13,717,374, C>T on the plus strand (G>A on the coding strand, the complement: DNAH5 is on the minus strand). VCF-style: chr5-13717374-C-T. GRCh37 (hg19) VCF-style: chr5-13717483-C-T.
Other names: short protein forms D4216N.
Identifiers: ClinVar variation 2186521 (VCV002186521.4), dbSNP rs768917457, ClinGen allele CA3201573.

ClinVar aggregate classification (germline): Uncertain significance. Review status: criteria provided, multiple submitters, no conflicts (2 of 4 stars). 2 submissions from 2 submitters: Uncertain significance (2). Last evaluated 2025-03-04.

Conditions:
Primary ciliary dyskinesia. Also called: Ciliary dyskinesia. Identifiers: Orphanet 244, MedGen C0008780, MONDO:0016575, HP:0012265.
Primary ciliary dyskinesia 3. Identifiers: Orphanet 244, MedGen C1837618, MONDO:0012085, OMIM 608644.

Allele frequency attached by ClinVar (database versions not stated): gnomAD exomes 0.00001; ExAC 0.00002; gnomAD 0.00003.
gnomAD v4.1: 25 of 1,613,918 alleles (0.0015%); highest among the groups gnomAD compares: Admixed American, 0.015%; no homozygotes.

Submissions (2):

Labcorp Genetics (formerly Invitae), Labcorp
Classification: Uncertain significance for Primary ciliary dyskinesia. Last evaluated: 2025-03-04. Review status: criteria provided, single submitter. Criteria: Invitae Variant Classification Sherloc (09022015). Collection method: clinical testing. Allele origin: germline.
Comment: This sequence change replaces aspartic acid, which is acidic and polar, with asparagine, which is neutral and polar, at codon 4216 of the DNAH5 protein (p.Asp4216Asn). This variant is present in population databases (rs768917457, gnomAD 0.01%). This variant has not been reported in the literature in individuals affected with DNAH5-related conditions. ClinVar contains an entry for this variant (Variation ID: 2186521). Invitae Evidence Modeling of protein sequence and biophysical properties (such as structural, functional, and spatial information, amino acid conservation, physicochemical variation, residue mobility, and thermodynamic stability) has been performed for this missense variant. However, the output from this modeling did not meet the statistical confidence thresholds required to predict the impact of this variant on DNAH5 protein function. In summary, the available evidence is currently insufficient to determine the role of this variant in disease. Therefore, it has been classified as a Variant of Uncertain Significance.

Genomic Medicine Center of Excellence, King Faisal Specialist Hospital and Research Centre
Classification: Uncertain significance for Primary ciliary dyskinesia 3. Last evaluated: 2024-03-29. Review status: criteria provided, single submitter. Criteria: ACMG Guidelines, 2015. Collection method: clinical testing. Allele origin: germline.